The following is an entry in ClinVar:

NM_000372.5(TYR):c.1042G>T (p.Ala348Ser)

Gene: TYR (tyrosinase; plus strand). Cytogenetic location: 11q14.3.
Variant type: single nucleotide variant.
Coding change: c.1042G>T on transcript NM_000372.5 (MANE Select); coding-DNA position 1042, G replaced by T.
Protein change: p.Ala348Ser; replaces alanine 348 with serine.
Molecular consequence: missense variant.
Genome position (GRCh38, 1-based): chr11:89,227,828, G>T. VCF-style: chr11-89227828-G-T. GRCh37 (hg19) VCF-style: chr11-88960996-G-T.
Other names: short protein forms A348S.
Identifiers: ClinVar variation 1007851 (VCV001007851.6), dbSNP rs1249646957, ClinGen allele CA382028183.

ClinVar aggregate classification (germline): Uncertain significance (1 of 4 stars; one submission).

Allele frequency attached by ClinVar (database versions not stated): gnomAD exomes below 0.00001; TOPMed 0.00001.

Submission:

Labcorp Genetics (formerly Invitae), Labcorp
Classification: Uncertain significance. Last evaluated: 2022-08-22. Review status: criteria provided, single submitter. Criteria: Invitae Variant Classification Sherloc (09022015). Collection method: clinical testing. Allele origin: germline.
Comment: This sequence change replaces alanine, which is neutral and non-polar, with serine, which is neutral and polar, at codon 348 of the TYR protein (p.Ala348Ser). This variant is not present in population databases (gnomAD no frequency). This variant has not been reported in the literature in individuals affected with TYR-related conditions. ClinVar contains an entry for this variant (Variation ID: 1007851). Advanced modeling of protein sequence and biophysical properties (such as structural, functional, and spatial information, amino acid conservation, physicochemical variation, residue mobility, and thermodynamic stability) performed at Invitae indicates that this missense variant is expected to disrupt TYR protein function. In summary, the available evidence is currently insufficient to determine the role of this variant in disease. Therefore, it has been classified as a Variant of Uncertain Significance.